The following is an entry in ClinVar:

ClinVar aggregate classification (germline): Likely pathogenic (1 of 4 stars; one submission).

Conditions:
Bardet-Biedl syndrome (BBS). Identifiers: Orphanet 110, MedGen C0752166, MONDO:0015229.

Submission:

Labcorp Genetics (formerly Invitae), Labcorp
Classification: Likely pathogenic for Bardet-Biedl syndrome. Last evaluated: 2021-12-22. Review status: criteria provided, single submitter. Criteria: Invitae Variant Classification Sherloc (09022015). Collection method: clinical testing. Allele origin: germline.
Comment: In summary, the currently available evidence indicates that the variant is pathogenic, but additional data are needed to prove that conclusively. Therefore, this variant has been classified as Likely Pathogenic. Algorithms developed to predict the effect of sequence changes on RNA splicing suggest that this variant may disrupt the consensus splice site. This sequence change affects an acceptor splice site in intron 9 of the BBS2 gene. It is expected to disrupt RNA splicing. Variants that disrupt the donor or acceptor splice site typically lead to a loss of protein function (PMID: 16199547), and loss-of-function variants in BBS2 are known to be pathogenic (PMID: 11285252, 20177705, 24608809, 26518167). This variant is not present in population databases (gnomAD no frequency). This variant has not been reported in the literature in individuals affected with BBS2-related conditions.

Literature cited by the submitters: PubMed 16199547; PubMed 11285252; PubMed 20177705; PubMed 24608809; PubMed 26518167.

NM_031885.5(BBS2):c.1081-1G>A

Gene: BBS2 (Bardet-Biedl syndrome 2; minus strand). Cytogenetic location: 16q13.
Variant type: single nucleotide variant.
Coding change: c.1081-1G>A on transcript NM_031885.5 (MANE Select); the canonical splice acceptor site of the intron before coding-DNA position 1081, G replaced by A.
Molecular consequence: splice acceptor variant.
Genome position (GRCh38, 1-based): chr16:56,501,498, C>T on the plus strand (G>A on the coding strand, the complement: BBS2 is on the minus strand). VCF-style: chr16-56501498-C-T. GRCh37 (hg19) VCF-style: chr16-56535410-C-T.
Other names: c.1081-1G>A (NM_001377456.1).
Identifiers: ClinVar variation 1481661 (VCV001481661.8), dbSNP rs1555522000, ClinGen allele CA395980275.
Genomic context (GRCh38, chr16:56,501,498, plus strand): 5'-ATTGGCTGGGATTATGCCCCGATGCCCATCAGCCTCGTTCAGTGGACTGGCCAATTCAGC[C>T]TGCAAAACACCCCACCCATTTCCTACTCAGTCACCAAAACACTGAACTAATATCAATTTT-3'